The following is an entry in ClinVar:

ClinVar aggregate classification (germline): Likely pathogenic (1 of 4 stars; one submission).

Conditions:
Tumor predisposition syndrome 3 (TPDS3). Also called: Melanoma, cutaneous malignant, susceptibility to, 10; Glioma susceptibility 9; LONG TELOMERE SYNDROME, POT1-RELATED; POT1 Tumor Predisposition. Identifiers: Orphanet 618, MedGen C4014476, MONDO:0014368, OMIM 615848.

Submission:

Labcorp Genetics (formerly Invitae), Labcorp
Classification: Likely pathogenic for Tumor predisposition syndrome 3. Last evaluated: 2025-11-12. Review status: criteria provided, single submitter. Criteria: Invitae Variant Classification Sherloc (09022015). Collection method: clinical testing. Allele origin: germline.
Comment: This sequence change affects a donor splice site in intron 17 of the POT1 gene. It is expected to disrupt RNA splicing. Variants that disrupt the donor or acceptor splice site typically lead to a loss of protein function (PMID: 16199547), and loss-of-function variants in POT1 are known to be pathogenic (PMID: 32155570). This variant is not present in population databases (gnomAD no frequency). This variant has not been reported in the literature in individuals affected with POT1-related conditions. Algorithms developed to predict the effect of sequence changes on RNA splicing suggest that this variant may disrupt the consensus splice site. In summary, the currently available evidence indicates that the variant is pathogenic, but additional data are needed to prove that conclusively. Therefore, this variant has been classified as Likely Pathogenic.

Literature cited by the submitters: PubMed 16199547; PubMed 32155570.

NM_015450.3(POT1):c.1686+1G>C

Gene: POT1 (protection of telomeres 1; minus strand). Cytogenetic location: 7q31.33.
Variant type: single nucleotide variant.
Coding change: c.1686+1G>C on transcript NM_015450.3 (MANE Select); the canonical splice donor site of the intron after coding-DNA position 1686, G replaced by C.
Molecular consequence: splice donor variant.
Genome position (GRCh38, 1-based): chr7:124,827,213, C>G on the plus strand (G>C on the coding strand, the complement: POT1 is on the minus strand). VCF-style: chr7-124827213-C-G. GRCh37 (hg19) VCF-style: chr7-124467267-C-G.
Other names: c.1293+1G>C (NM_001042594.2).
Identifiers: ClinVar variation 4797806 (VCV004797806.1).
Genomic context (GRCh38, chr7:124,827,213, plus strand): 5'-TATTCAATTTTTTAAATATTATTTTTTAATTAAAAATATCTTTATTACCTCTGATACTTA[C>G]AGAATCCATGAGATAGGCTTCTAGTACTCCTGTTCCATCATCAAGTGTAAAGGTCATAAC-3'